The following is an entry in ClinVar:

ClinVar aggregate classification (germline): Uncertain significance (1 of 4 stars; one submission).

Conditions:
Candidiasis, familial, 8 (CANDF8). Identifiers: Orphanet 1334, MedGen C3714992, MONDO:0014230, OMIM 615527.

gnomAD v4.1: 12 of 1,614,074 alleles (0.00074%); highest among the groups gnomAD compares: East Asian, 0.0022%; no homozygotes.

Submission:

Labcorp Genetics (formerly Invitae), Labcorp
Classification: Uncertain significance for Candidiasis, familial, 8. Last evaluated: 2025-12-29. Review status: criteria provided, single submitter. Criteria: Invitae Variant Classification Sherloc (09022015). Collection method: clinical testing. Allele origin: germline.
Comment: This sequence change replaces arginine, which is basic and polar, with tryptophan, which is neutral and slightly polar, at codon 542 of the TRAF3IP2 protein (p.Arg542Trp). This variant is present in population databases (rs148316010, gnomAD 0.003%). This variant has not been reported in the literature in individuals affected with TRAF3IP2-related conditions. Invitae Evidence Modeling of protein sequence and biophysical properties (such as structural, functional, and spatial information, amino acid conservation, physicochemical variation, residue mobility, and thermodynamic stability) has been performed for this missense variant. However, the output from this modeling did not meet the statistical confidence thresholds required to predict the impact of this variant on TRAF3IP2 protein function. In summary, the available evidence is currently insufficient to determine the role of this variant in disease. Therefore, it has been classified as a Variant of Uncertain Significance.

NM_147686.4(TRAF3IP2):c.1624C>T (p.Arg542Trp)

Genes: TRAF3IP2-AS1 (TRAF3IP2 antisense RNA 1; plus strand), TRAF3IP2 (TRAF3 interacting protein 2; minus strand). Cytogenetic location: 6q21.
Variant type: single nucleotide variant.
Coding change: c.1624C>T on transcript NM_147686.4 (MANE Select); coding-DNA position 1624, C replaced by T.
Protein change: p.Arg542Trp; replaces arginine 542 with tryptophan.
Molecular consequence: missense variant.
Genome position (GRCh38, 1-based): chr6:111,559,479, G>A on the plus strand (C>T on the coding strand, the complement: TRAF3IP2 is on the minus strand). VCF-style: chr6-111559479-G-A. GRCh37 (hg19) VCF-style: chr6-111880682-G-A.
Other names: c.1621C>T, p.Arg541Trp (NM_001164281.3); c.256C>T, p.Arg86Trp (NM_001164283.3); c.1651C>T, p.Arg551Trp (NM_147200.3); short protein forms R542W, R551W, R86W, R541W.
Identifiers: ClinVar variation 4708670 (VCV004708670.1).